The following is an entry in ClinVar:

NM_000059.4(BRCA2):c.8414T>C (p.Leu2805Ser)

Gene: BRCA2 (BRCA2 DNA repair associated; plus strand). Cytogenetic location: 13q13.1.
Variant type: single nucleotide variant.
Coding change: c.8414T>C on transcript NM_000059.4 (MANE Select); coding-DNA position 8414, T replaced by C.
Protein change: p.Leu2805Ser; replaces leucine 2805 with serine.
Molecular consequence: missense variant.
Genome position (GRCh38, 1-based): chr13:32,370,484, T>C. VCF-style: chr13-32370484-T-C. GRCh37 (hg19) VCF-style: chr13-32944621-T-C.
Other names: short protein forms L2805S.
Identifiers: ClinVar variation 52578 (VCV000052578.7), dbSNP rs397507983, ClinGen allele CA025630.
Genomic context (GRCh38, chr13:32,370,484, plus strand): 5'-CTGCTCGCTGGTATACCAAACTTGGATTCTTTCCTGACCCTAGACCTTTTCCTCTGCCCT[T>C]ATCATCGCTTTTCAGTGATGGAGGAAATGTTGGTTGTGTTGATGTAATTATTCAAAGAGC-3'
Protein context (NP_000050.3, residues 2795-2815): FPDPRPFPLP[Leu2805Ser]SSLFSDGGNV

ClinVar aggregate classification (germline): Uncertain significance. Review status: criteria provided, single submitter (1 of 4 stars). 5 submissions from 5 submitters: Uncertain significance (1). 4 of the submissions do not count toward it. Last evaluated 2025-03-19.

Conditions:
Hereditary cancer-predisposing syndrome. Also called: Neoplastic Syndromes, Hereditary; Tumor predisposition; Hereditary Cancer Syndrome; Hereditary neoplastic syndrome. Identifiers: Orphanet 140162, MedGen C0027672, MeSH D009386, MONDO:0015356.
Familial cancer of breast. Also called: BREAST CANCER, FAMILIAL; Hereditary breast cancer; hereditary breast carcinoma. Identifiers: Orphanet 227535, MedGen C0346153, MONDO:0016419, OMIM 114480. Disease mechanism: loss of function.

Allele frequency attached by ClinVar (database versions not stated): gnomAD exomes below 0.00001; gnomAD 0.00001.
gnomAD v4.1: 2 of 1,613,770 alleles (0.00012%); highest among the groups gnomAD compares: Non-Finnish European, 0.00017%; no homozygotes.

Submissions (5):

Ambry Genetics
Classification: Uncertain significance for Hereditary cancer-predisposing syndrome. Last evaluated: 2025-03-19. Review status: criteria provided, single submitter. Criteria: Ambry Variant Classification Scheme 2023. Collection method: clinical testing. Allele origin: germline.
Comment: The p.L2805S variant (also known as c.8414T>C), located in coding exon 18 of the BRCA2 gene, results from a T to C substitution at nucleotide position 8414. The leucine at codon 2805 is replaced by serine, an amino acid with dissimilar properties. This variant has been reported in an individual with early-onset breast cancer in conjunction with a truncating variant in BRCA2; the phase was not determined (Kanaan Y et al. Hum Genet, 2003 Oct;113:452-60). Two saturation genome editing-based studies, including a haploid cell-survival assay and a humanized mouse embryonic stem cell line assay of drug response and survival, demonstrate that this nucleotide substitution is functional(Huang H et al. Nature. 2025 Feb;638(8050):528-537; Sahu S et al. Nature. 2025 Feb;638(8050):538-545). This amino acid position is well conserved in available vertebrate species. In addition, this alteration is predicted to be deleterious by in silico analysis. Based on the available evidence, the clinical significance of this variant remains unclear.

ClinVar Staff, National Center for Biotechnology Information (NCBI)
No classification provided. Condition: Familial cancer of breast. Review status: no classification provided. Collection method: literature only. Allele origin: germline. Affected: yes. Not counted in ClinVar's aggregate classification.

Clinical Genetics DNA and cytogenetics Diagnostics Lab, Erasmus MC, Erasmus Medical Center
Classification: Uncertain significance. Review status: no assertion criteria provided. Collection method: clinical testing. Allele origin: germline. Affected: yes. Study: VKGL Data-share Consensus. Not counted in ClinVar's aggregate classification.

Clinical Genetics Laboratory, Department of Pathology, Netherlands Cancer Institute
Classification: Uncertain significance. Review status: no assertion criteria provided. Collection method: clinical testing. Allele origin: germline. Affected: yes. Study: VKGL Data-share Consensus. Not counted in ClinVar's aggregate classification.

Joint Genome Diagnostic Labs from Nijmegen and Maastricht, Radboudumc and MUMC+
Classification: Uncertain significance. Review status: no assertion criteria provided. Collection method: clinical testing. Allele origin: germline. Affected: yes. Study: VKGL Data-share Consensus. Not counted in ClinVar's aggregate classification.

Literature cited by the submitters: PubMed 12942367 (cited by Ambry Genetics and ClinVar Staff, National Center for Biotechnology Information (NCBI)); PubMed 39779848 (cited by Ambry Genetics); PubMed 39779857 (cited by Ambry Genetics).